The following is an entry in ClinVar:

NM_004655.4(AXIN2):c.2002G>A (p.Gly668Arg)

Gene: AXIN2 (axin 2; minus strand). Cytogenetic location: 17q24.1.
Variant type: single nucleotide variant.
Coding change: c.2002G>A on transcript NM_004655.4 (MANE Select); coding-DNA position 2002, G replaced by A.
Protein change: p.Gly668Arg; replaces glycine 668 with arginine.
Molecular consequence: missense variant.
Genome position (GRCh38, 1-based): chr17:65,536,459, C>T on the plus strand (G>A on the coding strand, the complement: AXIN2 is on the minus strand). VCF-style: chr17-65536459-C-T. GRCh37 (hg19) VCF-style: chr17-63532577-C-T.
Other names: c.1807G>A, p.Gly603Arg (NM_001363813.1); c.2002G>A (LRG_296t1); short protein forms G668R, G603R.
Identifiers: ClinVar variation 420080 (VCV000420080.14), dbSNP rs774732785, ClinGen allele CA8718437.

ClinVar aggregate classification (germline): Uncertain significance. Review status: criteria provided, multiple submitters, no conflicts (2 of 4 stars). 4 submissions from 4 submitters: Uncertain significance (4). Last evaluated 2025-11-19.

Conditions:
Oligodontia-cancer predisposition syndrome. Also called: TOOTH AGENESIS-COLORECTAL CANCER SYNDROME. Identifiers: Orphanet 300576, MedGen C1837750, MONDO:0012075, OMIM 608615. Disease mechanism: loss of function.
Colorectal cancer. Also called: Colorectal cancer, somatic; Malignant Colorectal Neoplasm. Identifiers: MedGen C0346629, MONDO:0005575, OMIM 114500.
Hereditary cancer-predisposing syndrome. Also called: Hereditary neoplastic syndrome; Tumor predisposition; Neoplastic Syndromes, Hereditary; Hereditary Cancer Syndrome. Identifiers: Orphanet 140162, MedGen C0027672, MeSH D009386, MONDO:0015356.

Allele frequency attached by ClinVar (database versions not stated): TOPMed below 0.00001; gnomAD exomes 0.00001; ExAC 0.00002.
gnomAD v4.1: 20 of 1,613,774 alleles (0.0012%); highest among the groups gnomAD compares: South Asian, 0.0077%; no homozygotes.

Submissions (4):

Labcorp Genetics (formerly Invitae), Labcorp
Classification: Uncertain significance for Oligodontia-cancer predisposition syndrome. Last evaluated: 2025-11-19. Review status: criteria provided, single submitter. Criteria: Invitae Variant Classification Sherloc (09022015). Collection method: clinical testing. Allele origin: germline.
Comment: This sequence change replaces glycine, which is neutral and non-polar, with arginine, which is basic and polar, at codon 668 of the AXIN2 protein (p.Gly668Arg). This variant is present in population databases (rs774732785, gnomAD 0.007%). This variant has not been reported in the literature in individuals affected with AXIN2-related conditions. ClinVar contains an entry for this variant (Variation ID: 420080). Invitae Evidence Modeling of protein sequence and biophysical properties (such as structural, functional, and spatial information, amino acid conservation, physicochemical variation, residue mobility, and thermodynamic stability) indicates that this missense variant is not expected to disrupt AXIN2 protein function with a negative predictive value of 80%. In summary, the available evidence is currently insufficient to determine the role of this variant in disease. Therefore, it has been classified as a Variant of Uncertain Significance.

Ambry Genetics
Classification: Uncertain significance for Hereditary cancer-predisposing syndrome. Last evaluated: 2025-11-05. Review status: criteria provided, single submitter. Criteria: Ambry Variant Classification Scheme 2023. Collection method: clinical testing. Allele origin: germline.
Comment: The p.G668R variant (also known as c.2002G>A), located in coding exon 7 of the AXIN2 gene, results from a G to A substitution at nucleotide position 2002. The glycine at codon 668 is replaced by arginine, an amino acid with dissimilar properties. This amino acid position is conserved. In addition, this alteration is predicted to be tolerated by in silico analysis. Based on the available evidence, the clinical significance of this variant remains unclear.

Baylor Genetics
Classification: Uncertain significance for Colorectal cancer. Last evaluated: 2023-08-05. Review status: criteria provided, single submitter. Criteria: ACMG Guidelines, 2015. Collection method: clinical testing. Allele origin: unknown.

GeneDx
Classification: Uncertain significance. Last evaluated: 2017-02-09. Review status: criteria provided, single submitter. Criteria: GeneDx Variant Classification (06012015). Collection method: clinical testing. Allele origin: germline. Affected: yes.
Comment: This variant is denoted AXIN2 c.2002G>A at the cDNA level, p.Gly668Arg (G668R) at the protein level, and results in the change of a Glycine to an Arginine (GGG>AGG). This variant has not, to our knowledge, been published in the literature as either a pathogenic germline variant or a benign polymorphism. However, it has been reported as a somatic variant in an endometrial carinoma (Jones 2014). AXIN2 Gly668Arg was not observed in approximately 6,500 individuals of European and African American ancestry in the NHLBI Exome Sequencing Project, suggesting it is not a common benign variant in these populations. Since Glycine and Arginine differ in polarity, charge, size or other properties, this is considered a non-conservative amino acid substitution. AXIN2 Gly668Arg occurs at a position that is conserved through mammals and is located in the mutational hotspot (Salahshor 2005). In silico analyses are inconsistent regarding the effect this variant may have on protein structure and function. Based on currently available evidence, it is unclear whether AXIN2 Gly668Arg is a pathogenic or benign variant. We consider it to be a variant of uncertain significance.